The following is an entry in ClinVar:

NM_018684.4(ZC4H2):c.499G>C (p.Val167Leu)

Gene: ZC4H2 (zinc finger C4H2-type containing; minus strand). Cytogenetic location: Xq11.2.
Variant type: single nucleotide variant.
Coding change: c.499G>C on transcript NM_018684.4 (MANE Select); coding-DNA position 499, G replaced by C.
Protein change: p.Val167Leu; replaces valine 167 with leucine.
Molecular consequence: missense variant. On other transcripts: non-coding transcript variant (1), intron variant (1).
Genome position (GRCh38, 1-based): chrX:64,919,104, C>G on the plus strand (G>C on the coding strand, the complement: ZC4H2 is on the minus strand). VCF-style: chrX-64919104-C-G. GRCh37 (hg19) VCF-style: chrX-64138984-C-G.
Other names: c.499G>C (NM_018684.3); c.430G>C, p.Val144Leu (NM_001178032.3, NM_001243804.2); c.398+977G>C (NM_001178033.3); short protein forms V144L, V167L.
Identifiers: ClinVar variation 2915631 (VCV002915631.5), dbSNP rs202222942, ClinGen allele CA10433397.

ClinVar aggregate classification (germline): Benign. Review status: criteria provided, single submitter (1 of 4 stars). 2 submissions from 2 submitters: Benign (1). 1 of the submissions does not count toward it. Last evaluated 2025-07-22.

Conditions:
ZC4H2-related disorder. Also called: ZC4H2-related condition.

Allele frequency attached by ClinVar (database versions not stated): 1000 Genomes Project 0.00026; gnomAD 0.00035; 1000 Genomes Project 30x 0.00021; gnomAD exomes 0.00011; ExAC 0.00030; TOPMed 0.00002.
gnomAD v4.1: 165 of 1,201,249 alleles (0.014%); highest among the groups gnomAD compares: Middle Eastern, 0.023%; 1 homozygote.

Submissions (2):

Labcorp Genetics (formerly Invitae), Labcorp
Classification: Benign. Last evaluated: 2025-07-22. Review status: criteria provided, single submitter. Criteria: Invitae Variant Classification Sherloc (09022015). Collection method: clinical testing. Allele origin: germline.

PreventionGenetics, part of Exact Sciences
Classification: Likely benign for ZC4H2-related condition. Last evaluated: 2021-05-04. Review status: no assertion criteria provided. Collection method: clinical testing. Allele origin: germline. Not counted in ClinVar's aggregate classification.
Comment: This variant is classified as likely benign based on ACMG/AMP sequence variant interpretation guidelines (Richards et al. 2015 PMID: 25741868, with internal and published modifications).